The following is an entry in ClinVar:

ClinVar aggregate classification (germline): Uncertain significance. Review status: criteria provided, multiple submitters, no conflicts (2 of 4 stars). 2 submissions from 2 submitters: Uncertain significance (2). Last evaluated 2024-10-03.

Conditions:
Inborn genetic diseases. Identifiers: MedGen C0950123, MeSH D030342.

gnomAD v4.1: 1 of 1,614,032 alleles (0.000062%); no homozygotes.

Submissions (2):

Labcorp Genetics (formerly Invitae), Labcorp
Classification: Uncertain significance. Last evaluated: 2024-10-03. Review status: criteria provided, single submitter. Criteria: Invitae Variant Classification Sherloc (09022015). Collection method: clinical testing. Allele origin: germline.
Comment: This sequence change replaces methionine, which is neutral and non-polar, with valine, which is neutral and non-polar, at codon 463 of the ADGRV1 protein (p.Met463Val). This variant is not present in population databases (gnomAD no frequency). This variant has not been reported in the literature in individuals affected with ADGRV1-related conditions. Invitae Evidence Modeling of protein sequence and biophysical properties (such as structural, functional, and spatial information, amino acid conservation, physicochemical variation, residue mobility, and thermodynamic stability) indicates that this missense variant is not expected to disrupt ADGRV1 protein function with a negative predictive value of 95%. In summary, the available evidence is currently insufficient to determine the role of this variant in disease. Therefore, it has been classified as a Variant of Uncertain Significance.

Ambry Genetics
Classification: Uncertain significance for Inborn genetic diseases. Last evaluated: 2024-08-12. Review status: criteria provided, single submitter. Criteria: Ambry Variant Classification Scheme 2023. Collection method: clinical testing. Allele origin: germline.

NM_032119.4(ADGRV1):c.1387A>G (p.Met463Val)

Gene: ADGRV1 (adhesion G protein-coupled receptor V1; plus strand). Cytogenetic location: 5q14.3.
Variant type: single nucleotide variant.
Coding change: c.1387A>G on transcript NM_032119.4 (MANE Select); coding-DNA position 1387, A replaced by G.
Protein change: p.Met463Val; replaces methionine 463 with valine.
Molecular consequence: missense variant. On other transcripts: non-coding transcript variant (1).
Genome position (GRCh38, 1-based): chr5:90,628,710, A>G. VCF-style: chr5-90628710-A-G. GRCh37 (hg19) VCF-style: chr5-89924527-A-G.
Other names: short protein forms M463V.
Identifiers: ClinVar variation 3500526 (VCV003500526.3).